The following is an entry in ClinVar:

ClinVar aggregate classification (germline): Uncertain significance (1 of 4 stars; one submission).

gnomAD v4.1: 4 of 1,403,622 alleles (0.00028%); highest among the groups gnomAD compares: African/African-American, 0.0028%; no homozygotes.

Submission:

Labcorp Genetics (formerly Invitae), Labcorp
Classification: Uncertain significance. Last evaluated: 2024-12-08. Review status: criteria provided, single submitter. Criteria: Invitae Variant Classification Sherloc (09022015). Collection method: clinical testing. Allele origin: germline.
Comment: This sequence change replaces arginine, which is basic and polar, with cysteine, which is neutral and slightly polar, at codon 378 of the IFT88 protein (p.Arg378Cys). This variant is not present in population databases (gnomAD no frequency). This variant has not been reported in the literature in individuals affected with IFT88-related conditions. An algorithm developed to predict the effect of missense changes on protein structure and function (PolyPhen-2) suggests that this variant is likely to be disruptive. In summary, the available evidence is currently insufficient to determine the role of this variant in disease. Therefore, it has been classified as a Variant of Uncertain Significance.

NM_006531.5(IFT88):c.1105C>T (p.Arg369Cys)

Gene: IFT88 (intraflagellar transport 88; plus strand). Cytogenetic location: 13q12.11.
Variant type: single nucleotide variant.
Coding change: c.1105C>T on transcript NM_006531.5 (MANE Select); coding-DNA position 1105, C replaced by T.
Protein change: p.Arg369Cys; replaces arginine 369 with cysteine.
Molecular consequence: missense variant. On other transcripts: non-coding transcript variant (5).
Genome position (GRCh38, 1-based): chr13:20,605,098, C>T. VCF-style: chr13-20605098-C-T. GRCh37 (hg19) VCF-style: chr13-21179237-C-T.
Other names: c.1048C>T, p.Arg350Cys (NM_001353575.2, NM_001353573.2, NM_001318491.2); c.1030C>T, p.Arg344Cys (NM_001353576.2, NM_001353577.2, NM_001353569.2 and 1 more transcripts); c.1003C>T, p.Arg335Cys (NM_001353578.2, NM_001353571.2); c.472C>T, p.Arg158Cys (NM_001353579.2); c.1132C>T, p.Arg378Cys (NM_175605.5, NM_001353565.2, NM_001353566.2 and 2 more transcripts); c.1105C>T, p.Arg369Cys (NM_001353568.2, NM_001353572.2); c.946C>T, p.Arg316Cys (NM_001353574.2); short protein forms R158C, R316C, R335C, R344C, R350C, R369C, R378C.
Identifiers: ClinVar variation 3609334 (VCV003609334.2).